The following is an entry in ClinVar:

ClinVar aggregate classification (germline): Conflicting classifications of pathogenicity. Review status: criteria provided, conflicting classifications (1 of 4 stars). 5 submissions from 5 submitters: Likely pathogenic (4); Uncertain significance (1). Last evaluated 2026-03-16.

Conditions:
Spinocerebellar ataxia, autosomal recessive 33 (SCAR33). Identifiers: MedGen C5774297, MONDO:0859360, OMIM 620208.
Fetal anomalies with a likely genetic cause.

gnomAD v4.1: 30 of 171,484 alleles (0.017%); highest among the groups gnomAD compares: Non-Finnish European, 0.027%; no homozygotes.

Submissions (5):

Genetics Laboratory, Great Ormond Street Hospital NHS Foundation Trust, North Thames Genomic Laboratory Hub
Classification: Likely pathogenic for Fetal anomalies with a likely genetic cause. Last evaluated: 2026-03-16. Review status: criteria provided, single submitter. Criteria: ACGS Best Practice Guidelines for Variant Classification in Rare Disease 2024 v1.2. Collection method: clinical testing. Allele origin: germline. Affected: yes.
Comment: PP3_supporting, PM1_moderate, PM3_strong

Institute of Human Genetics Munich, TUM University Hospital
Classification: Likely pathogenic for Spinocerebellar ataxia, autosomal recessive 33. Last evaluated: 2026-01-19. Review status: criteria provided, single submitter. Criteria: Classification criteria August 2017. Collection method: clinical testing. Allele origin: paternal, maternal, unknown. Inheritance: Autosomal recessive inheritance. Affected: yes. Observed: 4 variant alleles. Clinical features observed: Intellectual disability (HP:0001249), Microcephaly (HP:0000252), Ataxia (HP:0001251), Hypotonia (HP:0001252), Pes planus (HP:0001763), Hypermetropia (HP:0000540), Astigmatism (HP:0000483), Mild intellectual disability (HP:0001256), Expressive language delay (HP:0002474), Receptive language delay (HP:0010863), Cerebellar hypoplasia (HP:0001321), Motor delay (HP:0001270), and 16 more.
Comment: Observed in affected individuals in compound heterozygous state with GRCh38 chr22:42615328 G>A, chr22:42615323 T>C, chr22:42615329 G>A, and chr22:42615327 C>T.

3billion
Classification: Uncertain significance for Spinocerebellar ataxia, autosomal recessive 33. Last evaluated: 2025-11-19. Review status: criteria provided, single submitter. Criteria: ACMG Guidelines, 2015. Collection method: clinical testing. Allele origin: germline. Affected: yes.
Comment: The variant is observed at an extremely low frequency in the gnomAD v4.1.0 dataset (total allele frequency: 0.017%). Predicted Consequence/Location: non_coding_transcript_exon_variant The variant has been reported to be associated with RNU12-related disorder (ClinVar ID: VCV003897936). Therefore, this variant is classified as VUS according to the recommendation of ACMG/AMP guideline.

Undiagnosed Diseases Network, NIH
Classification: Likely pathogenic for Spinocerebellar ataxia, autosomal recessive 33. Last evaluated: 2025-10-08. Review status: criteria provided, single submitter. Criteria: ACMG Guidelines, 2015. Collection method: clinical testing. Allele origin: maternal. Affected: yes. Observed: 1 variant allele, 1 compound heterozygote. Study: Undiagnosed Diseases Network (NIH), UDN.
Comment: This rare variant has been observed in gnomAD with a frequency of 0.020%. This variant has an inconclusive theoretical prediction score (CADD: 18.02). The evolutionary conservation of this nucleotide is high. This variant is located in the third stem‐loop structure (SLIII) of RNU12 which mediates interaction with U11/U12 65K protein (PMID: 34085356). Abnormal splicing analysis detected an excessive number of aberrant splicing events in the tested specimen.

Clinical Genetics Laboratory, Skane University Hospital Lund
Classification: Likely pathogenic for Spinocerebellar ataxia, autosomal recessive 33. Last evaluated: 2025-05-13. Review status: criteria provided, single submitter. Criteria: ACMG Guidelines, 2015. Collection method: clinical testing. Allele origin: germline. Inheritance: Autosomal recessive inheritance. Affected: yes.
Comment: ACMG criteria used: PM1 (functional domain SLIII, based on PMID: 21737423, 27863452 and 33577674), PM2 (not reported as homozygous in gnomAD v4.1.0) and PM3 (the variant was detected in trans, confirmed in trio-WGS, with another likely pathogenic RNU12-variant: n.86G>A).

Literature cited by the submitters: PubMed 27863452 (cited by Undiagnosed Diseases Network, NIH).

NR_029422.2(RNU12):n.89A>G

Gene: RNU12 (RNA, U12 small nuclear; plus strand). Cytogenetic location: 22q13.2.
Variant type: single nucleotide variant.
Molecular consequence: non-coding transcript variant (on NR_029422.2).
Genome position: GRCh38 VCF-style: chr22-42615332-A-G. GRCh37 (hg19) VCF-style: chr22-43011338-A-G.
Identifiers: ClinVar variation 3897936 (VCV003897936.6).
Genomic context (GRCh38, chr22:42,615,332, plus strand): 5'-AACGATTCGGGGTGACGCCCGAATCCTCACTGCTAATGTGAGACGAATTTTTGAGCGGGT[A>G]AAGGTCGCCCTCAAGGTGACCCGCCTACTTTGCGGGATGCCTGGGAGTTGCGATCTGCCC-3'